The following is an entry in ClinVar:

ClinVar aggregate classification (germline): Uncertain significance (1 of 4 stars; one submission).

gnomAD v4.1: 12 of 1,613,762 alleles (0.00074%); highest among the groups gnomAD compares: South Asian, 0.0011%; no homozygotes.

Submission:

Labcorp Genetics (formerly Invitae), Labcorp
Classification: Uncertain significance. Last evaluated: 2024-01-29. Review status: criteria provided, single submitter. Criteria: Invitae Variant Classification Sherloc (09022015). Collection method: clinical testing. Allele origin: germline.
Comment: This sequence change replaces alanine, which is neutral and non-polar, with threonine, which is neutral and polar, at codon 1408 of the HERC1 protein (p.Ala1408Thr). This variant is not present in population databases (gnomAD no frequency). This variant has not been reported in the literature in individuals affected with HERC1-related conditions. ClinVar contains an entry for this variant (Variation ID: 2127244). An algorithm developed to predict the effect of missense changes on protein structure and function (PolyPhen-2) suggests that this variant is likely to be tolerated. In summary, the available evidence is currently insufficient to determine the role of this variant in disease. Therefore, it has been classified as a Variant of Uncertain Significance.

NM_003922.4(HERC1):c.4222G>A (p.Ala1408Thr)

Gene: HERC1 (HECT and RLD domain containing E3 ubiquitin protein ligase family member 1; minus strand). Cytogenetic location: 15q22.31.
Variant type: single nucleotide variant.
Coding change: c.4222G>A on transcript NM_003922.4 (MANE Select); coding-DNA position 4222, G replaced by A.
Protein change: p.Ala1408Thr; replaces alanine 1408 with threonine.
Molecular consequence: missense variant.
Genome position (GRCh38, 1-based): chr15:63,713,594, C>T on the plus strand (G>A on the coding strand, the complement: HERC1 is on the minus strand). VCF-style: chr15-63713594-C-T. GRCh37 (hg19) VCF-style: chr15-64005793-C-T.
Other names: short protein forms A1408T.
Identifiers: ClinVar variation 2127244 (VCV002127244.4), dbSNP rs757036287, ClinGen allele CA392753336.